The following is an entry in ClinVar:

NM_000536.4(RAG2):c.133G>A (p.Val45Ile)

Gene: RAG2 (recombination activating 2; minus strand). Cytogenetic location: 11p12.
Variant type: single nucleotide variant.
Coding change: c.133G>A on transcript NM_000536.4 (MANE Select); coding-DNA position 133, G replaced by A.
Protein change: p.Val45Ile; replaces valine 45 with isoleucine.
Molecular consequence: missense variant.
Genome position (GRCh38, 1-based): chr11:36,594,036, C>T on the plus strand (G>A on the coding strand, the complement: RAG2 is on the minus strand). VCF-style: chr11-36594036-C-T. GRCh37 (hg19) VCF-style: chr11-36615586-C-T.
Other names: c.133G>A (NM_000536.3); c.133G>A, p.Val45Ile (NM_001243785.2, NM_001243786.2); short protein forms V45I.
Identifiers: ClinVar variation 1392902 (VCV001392902.6), dbSNP rs770312622, ClinGen allele CA5950621.
Genomic context (GRCh38, chr11:36,594,036, plus strand): 5'-CCTTAGAGAAAATTGTAGGCTTCAGTTTGACATGGTTATGCTTTACATCCAGATGGAAAA[C>T]TCCAGTGGGGCAGGATCTTTTGGGCCAGCCTTTTTGTCCAAAGAAGAAAACTTGTCCATC-3'
Protein context (NP_000527.2, residues 35-55): GWPKRSCPTG[Val45Ile]FHLDVKHNHV

ClinVar aggregate classification (germline): Uncertain significance. Review status: criteria provided, multiple submitters, no conflicts (2 of 4 stars). 2 submissions from 2 submitters: Uncertain significance (2). Last evaluated 2025-01-13.

Conditions:
Inborn genetic diseases. Identifiers: MedGen C0950123, MeSH D030342.
Combined immunodeficiency with skin granulomas. Identifiers: Orphanet 157949, MedGen C2673536, MONDO:0009306, OMIM 233650.
Severe combined immunodeficiency, autosomal recessive, T cell-negative, B cell-negative, NK cell-positive. Also called: SCID, AR, T-cell negative, B-cell negative, NK cell-positive; Severe combined immunodeficiency due to complete RAG1/2 deficiency; SCID, T CELL-NEGATIVE, B CELL-NEGATIVE, NK CELL-POSITIVE. Identifiers: Orphanet 331206, MedGen C1832322, MONDO:0011086, OMIM 601457.

Allele frequency attached by ClinVar (database versions not stated): TOPMed below 0.00001; gnomAD exomes 0.00001 and 0.00002; ExAC 0.00002.
gnomAD v4.1: 14 of 1,614,166 alleles (0.00087%); highest among the groups gnomAD compares: Admixed American, 0.0083%; no homozygotes.

Submissions (2):

Labcorp Genetics (formerly Invitae), Labcorp
Classification: Uncertain significance for Combined immunodeficiency with skin granulomas; Severe combined immunodeficiency, autosomal recessive, T cell-negative, B cell-negative, NK cell-positive. Last evaluated: 2025-01-13. Review status: criteria provided, single submitter. Criteria: Invitae Variant Classification Sherloc (09022015). Collection method: clinical testing. Allele origin: germline.
Comment: This sequence change replaces valine, which is neutral and non-polar, with isoleucine, which is neutral and non-polar, at codon 45 of the RAG2 protein (p.Val45Ile). This variant is present in population databases (rs770312622, gnomAD 0.01%). This variant has not been reported in the literature in individuals affected with RAG2-related conditions. ClinVar contains an entry for this variant (Variation ID: 1392902). Invitae Evidence Modeling of protein sequence and biophysical properties (such as structural, functional, and spatial information, amino acid conservation, physicochemical variation, residue mobility, and thermodynamic stability) indicates that this missense variant is not expected to disrupt RAG2 protein function with a negative predictive value of 80%. In summary, the available evidence is currently insufficient to determine the role of this variant in disease. Therefore, it has been classified as a Variant of Uncertain Significance.

Ambry Genetics
Classification: Uncertain significance for Inborn genetic diseases. Last evaluated: 2024-02-17. Review status: criteria provided, single submitter. Criteria: Ambry Variant Classification Scheme 2023. Collection method: clinical testing. Allele origin: germline.